The following is an entry in ClinVar:

NM_000234.3(LIG1):c.1566_1577del (p.His523_Glu526del)

Gene: LIG1 (DNA ligase 1; minus strand). Cytogenetic location: 19q13.33.
Variant type: Deletion.
Coding change: c.1566_1577del on transcript NM_000234.3 (MANE Select); coding-DNA positions 1566 to 1577, 12 bases deleted (GCACGGCCTGGA).
Protein change: p.His523_Glu526del.
Molecular consequence: inframe deletion. On other transcripts: non-coding transcript variant (4).
Genome position (GRCh38, 1-based): chr19:48,134,013-48,134,024, TCCAGGCCGTGC deleted on the plus strand (GCACGGCCTGGA on the coding strand, the reverse complement: LIG1 is on the minus strand); deleting any 12 consecutive bases within chr19:48,134,013-48,134,029 gives the same sequence; the c. name uses the placement nearest the transcript's 3' end. VCF-style (leftmost placement, unchanged base first): chr19-48134012-TTCCAGGCCGTGC-T. GRCh37 (hg19) VCF-style: chr19-48637269-TTCCAGGCCGTGC-T.
Other names: c.1473_1484del, p.His492_Glu495del (NM_001289063.2); c.1362_1373del, p.His455_Glu458del (NM_001289064.2); c.1563_1574del, p.His522_Glu525del (NM_001320970.2); c.1476_1487del, p.His493_Glu496del (NM_001320971.2).
Identifiers: ClinVar variation 1480204 (VCV001480204.6), dbSNP rs2122578309, ClinGen allele CA2573156502.

ClinVar aggregate classification (germline): Uncertain significance (1 of 4 stars; one submission).

Submission:

Labcorp Genetics (formerly Invitae), Labcorp
Classification: Uncertain significance. Last evaluated: 2023-04-24. Review status: criteria provided, single submitter. Criteria: Invitae Variant Classification Sherloc (09022015). Collection method: clinical testing. Allele origin: germline.
Comment: ClinVar contains an entry for this variant (Variation ID: 1480204). Experimental studies and prediction algorithms are not available or were not evaluated, and the functional significance of this variant is currently unknown. In summary, the available evidence is currently insufficient to determine the role of this variant in disease. Therefore, it has been classified as a Variant of Uncertain Significance. This variant has not been reported in the literature in individuals affected with LIG1-related conditions. This variant is not present in population databases (gnomAD no frequency). This variant, c.1566_1577del, results in the deletion of 4 amino acid(s) of the LIG1 protein (p.His523_Glu526del), but otherwise preserves the integrity of the reading frame.